The following is an entry in ClinVar:

NM_032806.6(POMGNT2):c.852A>G (p.Leu284=)

Gene: POMGNT2 (protein O-linked mannose N-acetylglucosaminyltransferase 2 (beta 1,4-); minus strand). Cytogenetic location: 3p22.1.
Variant type: single nucleotide variant.
Coding change: c.852A>G on transcript NM_032806.6 (MANE Select); coding-DNA position 852, A replaced by G.
Protein change: p.Leu284=; no amino-acid change (leucine 284 retained).
Molecular consequence: synonymous variant.
Genome position (GRCh38, 1-based): chr3:43,080,580, T>C on the plus strand (A>G on the coding strand, the complement: POMGNT2 is on the minus strand). VCF-style: chr3-43080580-T-C. GRCh37 (hg19) VCF-style: chr3-43122072-T-C.
Other names: c.852A>G (NM_032806.5).
Identifiers: ClinVar variation 1545374 (VCV001545374.35), dbSNP rs1553618336, ClinGen allele CA2339980.

ClinVar aggregate classification (germline): Likely benign. Review status: criteria provided, multiple submitters, no conflicts (2 of 4 stars). 4 submissions from 4 submitters: Likely benign (4). Last evaluated 2025-08-10.

Conditions:
POMGNT2-related disorder. Also called: POMGNT2-related condition.
Muscular dystrophy-dystroglycanopathy (congenital with brain and eye anomalies), type a, 8 (MDDGA8). Also called: WALKER-WARBURG SYNDROME OR MUSCLE-EYE-BRAIN DISEASE, GTDC2-RELATED. Identifiers: Orphanet 899, MedGen C3553813, MONDO:0013904, OMIM 614830.

Allele frequency attached by ClinVar (database versions not stated): gnomAD 0.00001; gnomAD exomes 0.00001 and 0.00002; ExAC 0.00002.
gnomAD v4.1: 20 of 1,614,108 alleles (0.0012%); highest among the groups gnomAD compares: Middle Eastern, 0.033%; no homozygotes.

Submissions (4):

Labcorp Genetics (formerly Invitae), Labcorp
Classification: Likely benign for Muscular dystrophy-dystroglycanopathy (congenital with brain and eye anomalies), type a, 8. Last evaluated: 2025-08-10. Review status: criteria provided, single submitter. Criteria: Invitae Variant Classification Sherloc (09022015). Collection method: clinical testing. Allele origin: germline.

PreventionGenetics, part of Exact Sciences
Classification: Likely benign for POMGNT2-related condition. Last evaluated: 2025-07-14. Review status: criteria provided, single submitter. Criteria: ACMG Guidelines, 2015. Collection method: clinical testing. Allele origin: germline.
Comment: This variant is classified as likely benign based on ACMG/AMP sequence variant interpretation guidelines (Richards et al. 2015 PMID: 25741868, with internal and published modifications).

CeGaT Center for Human Genetics Tuebingen
Classification: Likely benign. Last evaluated: 2023-03-01. Review status: criteria provided, single submitter. Criteria: CeGaT Center For Human Genetics Tuebingen Variant Classification Criteria Version 2. Collection method: clinical testing. Allele origin: germline. Affected: yes. Observed: 1 variant allele.
Comment: POMGNT2: BP4, BP7

Breakthrough Genomics
Classification: Likely benign. Review status: criteria provided, single submitter. Criteria: ACMG Guidelines, 2015. Collection method: not provided. Allele origin: germline. Inheritance: Autosomal recessive inheritance. Affected: yes.